The following is an entry in ClinVar:

NM_004525.3(LRP2):c.12421G>A (p.Val4141Ile)

Gene: LRP2 (LDL receptor related protein 2; minus strand). Cytogenetic location: 2q31.1.
Variant type: single nucleotide variant.
Coding change: c.12421G>A on transcript NM_004525.3 (MANE Select); coding-DNA position 12421, G replaced by A.
Protein change: p.Val4141Ile; replaces valine 4141 with isoleucine.
Molecular consequence: missense variant.
Genome position (GRCh38, 1-based): chr2:169,152,839, C>T on the plus strand (G>A on the coding strand, the complement: LRP2 is on the minus strand). VCF-style: chr2-169152839-C-T. GRCh37 (hg19) VCF-style: chr2-170009349-C-T.
Other names: short protein forms V4141I.
Identifiers: ClinVar variation 893394 (VCV000893394.18), dbSNP rs150382715, ClinGen allele CA1952813.

ClinVar aggregate classification (germline): Conflicting classifications of pathogenicity. Review status: criteria provided, conflicting classifications (1 of 4 stars). 6 submissions from 6 submitters: Uncertain significance (2); Likely benign (4). Last evaluated 2026-02-01.

Conditions:
LRP2-related disorder. Also called: LRP2-related condition.
Inborn genetic diseases. Identifiers: MedGen C0950123, MeSH D030342.
Donnai-Barrow syndrome. Also called: DBS/FOAR SYNDROME; FACIOOCULOACOUSTICORENAL SYNDROME. Identifiers: Orphanet 2143, MedGen C1857277, MONDO:0009104, OMIM 222448.

Allele frequency attached by ClinVar (database versions not stated): gnomAD exomes 0.00019; ESP Exome Variant Server 0.00031; TOPMed 0.00031; gnomAD 0.00041.
gnomAD v4.1: 795 of 1,614,074 alleles (0.049%); highest among the groups gnomAD compares: Non-Finnish European, 0.063%; no homozygotes.

Submissions (6):

Labcorp Genetics (formerly Invitae), Labcorp
Classification: Likely benign. Last evaluated: 2026-02-01. Review status: criteria provided, single submitter. Criteria: Invitae Variant Classification Sherloc (09022015). Collection method: clinical testing. Allele origin: germline.

PreventionGenetics, part of Exact Sciences
Classification: Uncertain significance for LRP2-related condition. Last evaluated: 2026-01-21. Review status: criteria provided, single submitter. Criteria: ACMG Guidelines, 2015. Collection method: clinical testing. Allele origin: germline.
Comment: The LRP2 c.12421G>A variant is predicted to result in the amino acid substitution p.Val4141Ile. To our knowledge, this variant has not been reported in the literature. This variant is reported in 0.037% of alleles in individuals of European (Non-Finnish) descent in gnomAD. At this time, the clinical significance of this variant is uncertain due to the absence of conclusive functional and genetic evidence.

Blueprint Genetics
Classification: Likely benign. Last evaluated: 2024-11-14. Review status: criteria provided, single submitter. Criteria: ACMG Guidelines, 2015. Collection method: clinical testing. Allele origin: germline.

Ambry Genetics
Classification: Likely benign for Inborn genetic diseases. Last evaluated: 2022-03-07. Review status: criteria provided, single submitter. Criteria: Ambry Variant Classification Scheme 2023. Collection method: clinical testing. Allele origin: germline.

Genome-Nilou Lab
Classification: Likely benign for Donnai-Barrow syndrome. Last evaluated: 2021-07-15. Review status: criteria provided, single submitter. Criteria: ACMG Guidelines, 2015. Collection method: clinical testing. Allele origin: germline. Affected: no.

Illumina Laboratory Services, Illumina
Classification: Uncertain significance for Donnai-Barrow syndrome. Last evaluated: 2018-01-13. Review status: criteria provided, single submitter. Criteria: ICSL Variant Classification Criteria 13 December 2019. Collection method: clinical testing. Allele origin: germline.